The following is an entry in ClinVar:

NM_013266.4(CTNNA3):c.100-7A>G

Gene: CTNNA3 (catenin alpha 3; minus strand). Cytogenetic location: 10q21.3.
Variant type: single nucleotide variant.
Coding change: c.100-7A>G on transcript NM_013266.4 (MANE Select); 7 bases into the intron before coding-DNA position 100, A replaced by G.
Molecular consequence: intron variant.
Genome position (GRCh38, 1-based): chr10:67,607,056, T>C on the plus strand (A>G on the coding strand, the complement: CTNNA3 is on the minus strand). VCF-style: chr10-67607056-T-C. GRCh37 (hg19) VCF-style: chr10-69366814-T-C.
Other names: c.100-7A>G (NM_001127384.3); c.136-7A>G (NM_001291133.2).
Identifiers: ClinVar variation 651942 (VCV000651942.10), dbSNP rs201986002, ClinGen allele CA5520700.

ClinVar aggregate classification (germline): Uncertain significance. Review status: criteria provided, multiple submitters, no conflicts (2 of 4 stars). 2 submissions from 2 submitters: Uncertain significance (2). Last evaluated 2022-07-11.

Conditions:
Arrhythmogenic right ventricular dysplasia 13. Also called: Arrhythmogenic right ventricular dysplasia, familial, 13; ARRHYTHMOGENIC RIGHT VENTRICULAR CARDIOMYOPATHY 13. Identifiers: MedGen C3810138, MONDO:0000908, OMIM 615616.

Allele frequency attached by ClinVar (database versions not stated): gnomAD exomes below 0.00001; ExAC 0.00001; gnomAD 0.00001; 1000 Genomes Project 30x 0.00016; 1000 Genomes Project 0.00020.
gnomAD v4.1: 3 of 1,603,270 alleles (0.00019%); highest among the groups gnomAD compares: East Asian, 0.0022%; no homozygotes.

Submissions (2):

Blueprint Genetics
Classification: Uncertain significance. Last evaluated: 2022-07-11. Review status: criteria provided, single submitter. Criteria: ACMG Guidelines, 2015. Collection method: clinical testing. Allele origin: germline.

Labcorp Genetics (formerly Invitae), Labcorp
Classification: Uncertain significance for Arrhythmogenic right ventricular dysplasia 13. Last evaluated: 2022-03-19. Review status: criteria provided, single submitter. Criteria: Invitae Variant Classification Sherloc (09022015). Collection method: clinical testing. Allele origin: germline.
Comment: In summary, the available evidence is currently insufficient to determine the role of this variant in disease. Therefore, it has been classified as a Variant of Uncertain Significance. Algorithms developed to predict the effect of sequence changes on RNA splicing suggest that this variant may disrupt the consensus splice site. ClinVar contains an entry for this variant (Variation ID: 651942). This variant has not been reported in the literature in individuals affected with CTNNA3-related conditions. This variant is not present in population databases (gnomAD no frequency). This sequence change falls in intron 2 of the CTNNA3 gene. It does not directly change the encoded amino acid sequence of the CTNNA3 protein.